The following is an entry in ClinVar:

NM_000373.4(UMPS):c.*4316C>A

Gene: UMPS (uridine monophosphate synthetase; plus strand). Cytogenetic location: 3q21.2.
Variant type: single nucleotide variant.
Coding change: c.*4316C>A on transcript NM_000373.4 (MANE Select); 4316 bases downstream of the stop codon, C replaced by A.
Molecular consequence: 3 prime UTR variant. On other transcripts: non-coding transcript variant (2).
Genome position (GRCh38, 1-based): chr3:124,748,400, C>A. VCF-style: chr3-124748400-C-A. GRCh37 (hg19) VCF-style: chr3-124467247-C-A.
Identifiers: ClinVar variation 343028 (VCV000343028.5), dbSNP rs689449, ClinGen allele CA2582158.

ClinVar aggregate classification (germline): Benign (1 of 4 stars; one submission).

Conditions:
Oroticaciduria. Also called: Orotic aciduria. Identifiers: Orphanet 30, MedGen C0268128, HP:0003218.

Allele frequency attached by ClinVar (database versions not stated): ExAC 0.27821; 1000 Genomes Project 30x 0.34728; TOPMed 0.35115; 1000 Genomes Project 0.34505.

Submission:

Illumina Laboratory Services, Illumina
Classification: Benign for Hereditary orotic aciduria. Last evaluated: 2018-01-13. Review status: criteria provided, single submitter. Criteria: ICSL Variant Classification Criteria 13 December 2019. Collection method: clinical testing. Allele origin: germline.
Comment: This variant was observed in the ICSL laboratory as part of a predisposition screen in an ostensibly healthy population. It had not been previously curated by ICSL or reported in the Human Gene Mutation Database (HGMD: prior to June 1st, 2018), and was therefore a candidate for classification through an automated scoring system. Utilizing variant allele frequency, disease prevalence and penetrance estimates, and inheritance mode, an automated score was calculated to assess if this variant is too frequent to cause the disease. Based on the score and internal cut-off values, a variant classified as benign is not then subjected to further curation. The score for this variant resulted in a classification of benign for this disease.